The following is an entry in ClinVar:

ClinVar aggregate classification (germline): Pathogenic (1 of 4 stars; one submission).

Conditions:
Neuromuscular disease caused by qualitative or quantitative defects of dysferlin. Also called: Qualitative or quantitative defects of dysferlin; Dysferlinopathy. Identifiers: Orphanet 207073, MedGen C2931687, MONDO:0016145.

Submission:

Labcorp Genetics (formerly Invitae), Labcorp
Classification: Pathogenic for Neuromuscular disease caused by qualitative or quantitative defects of dysferlin. Last evaluated: 2023-07-10. Review status: criteria provided, single submitter. Criteria: Invitae Variant Classification Sherloc (09022015). Collection method: clinical testing. Allele origin: unknown.
Comment: This variant is a gross deletion of the genomic region encompassing exon(s) 6-55 of the DYSF gene, which includes the termination codon. This deletion extends beyond the assayed region for this gene and therefore may encompass additional genes. While this deletion is not anticipated to lead to nonsense mediated decay, it is expected to alter mRNA translation or result in a truncated protein product. This variant has not been reported in the literature in individuals affected with DYSF-related conditions. This variant disrupts a region of the DYSF protein in which other variant(s) (p.Arg253Trp) have been determined to be pathogenic (PMID: 16010686, 18853459, 25868377, 27666772, 30919934). This suggests that this is a clinically significant region of the protein, and that variants that disrupt it are likely to be disease-causing. For these reasons, this variant has been classified as Pathogenic.

Literature cited by the submitters: PubMed 16010686; PubMed 18853459; PubMed 25868377; PubMed 27666772; PubMed 30919934.

NC_000002.11:g.(?_71740826)_(71913622_?)del

Gene: DYSF (dysferlin; plus strand). Cytogenetic location: 2p13.2.
Variant type: Deletion.
Identifiers: ClinVar variation 3247375 (VCV003247375.1).